The following is an entry in ClinVar:

NM_007294.4(BRCA1):c.2831GTA[1] (p.Ser945del)

Gene: BRCA1 (BRCA1 DNA repair associated; minus strand). Cytogenetic location: 17q21.31.
Variant type: Microsatellite.
Coding change: c.2831GTA[1] on transcript NM_007294.4 (MANE Select); one copy of the 3-base unit GTA starting at c.2831; the reference has two copies in a row; one copy, 3 bases deleted; also written c.2834_2836del.
Protein change: p.Ser945del; deletes serine 945.
Molecular consequence: inframe deletion. On other transcripts: inframe indel (2), intron variant (137).
Genome position (GRCh38, 1-based): chr17:43,092,695-43,092,697, TAC deleted on the plus strand (GTA on the coding strand, the reverse complement: BRCA1 is on the minus strand); deleting any 3 consecutive bases within chr17:43,092,695-43,092,700 gives the same sequence; the position shown is the placement nearest the transcript's 3' end. VCF-style (leftmost placement, unchanged base first): chr17-43092694-ATAC-A. GRCh37 (hg19) VCF-style: chr17-41244711-ATAC-A.
Other names: c.2834_2836delGTA (NM_007294.3); c.2834_2836del (NM_007294.3); c.2498GTA[1], p.Ser834del (NM_001407946.1, NM_001407947.1, NM_001407948.1 and 6 more transcripts); c.2495GTA[1], p.Ser833del (NM_001407954.1, NM_001407955.1, NM_001407956.1 and 1 more transcripts); c.2450GTA[1], p.Ser818del (NM_001407959.1, NM_001407960.1, NM_001407963.1); c.2447GTA[1], p.Ser817del (NM_001407962.1); c.2687GTA[1], p.Ser897del (NM_001407964.1, NM_001407740.1, NM_001407741.1 and 20 more transcripts); c.2327GTA[1], p.Ser777del (NM_001407965.1); and 43 more; short protein forms S945del, S898del, S649del, S818del, S834del, S856del, S875del, S918del.
Identifiers: ClinVar variation 54693 (VCV000054693.19), dbSNP rs80358332, ClinGen allele CA001851.

ClinVar aggregate classification (germline): Uncertain significance. Review status: criteria provided, multiple submitters, no conflicts (2 of 4 stars). 4 submissions from 4 submitters: Uncertain significance (3). 1 of the submissions does not count toward it. Last evaluated 2025-12-01.

Conditions:
Hereditary cancer-predisposing syndrome. Also called: Tumor predisposition; Neoplastic Syndromes, Hereditary; Hereditary Cancer Syndrome; Hereditary neoplastic syndrome. Identifiers: Orphanet 140162, MedGen C0027672, MeSH D009386, MONDO:0015356.
Hereditary breast ovarian cancer syndrome. Also called: Hereditary breast and ovarian cancer syndrome (HBOC); Hereditary breast and ovarian cancer syndrome; Hereditary breast and ovarian cancer; Hereditary breast and/or ovarian cancer syndrome; Breast and ovarian cancer; BRCA1- and BRCA2-Associated Hereditary Breast and Ovarian Cancer. Identifiers: Orphanet 145, MedGen C0677776, MeSH D061325, MONDO:0003582. Disease mechanism: loss of function.
Breast-ovarian cancer, familial, susceptibility to, 1 (BROVCA1). Also called: OVARIAN CANCER, SUSCEPTIBILITY TO; BRCA1 Hereditary Breast and Ovarian Cancer. Identifiers: Orphanet 145, MedGen C2676676, MONDO:0011450, OMIM 604370. Disease mechanism: loss of function.

Submissions (4):

Labcorp Genetics (formerly Invitae), Labcorp
Classification: Uncertain significance for Hereditary breast ovarian cancer syndrome. Last evaluated: 2025-12-01. Review status: criteria provided, single submitter. Criteria: Invitae Variant Classification Sherloc (09022015). Collection method: clinical testing. Allele origin: germline.
Comment: This variant, c.2834_2836del, results in the deletion of 1 amino acid(s) of the BRCA1 protein (p.Ser945del), but otherwise preserves the integrity of the reading frame. This variant is not present in population databases (gnomAD no frequency). This variant has been observed in individual(s) with clinical features of BRCA1-related conditions (PMID: 10923033). ClinVar contains an entry for this variant (Variation ID: 54693). Experimental studies and prediction algorithms are not available or were not evaluated, and the functional significance of this variant is currently unknown. In summary, the available evidence is currently insufficient to determine the role of this variant in disease. Therefore, it has been classified as a Variant of Uncertain Significance.

Ambry Genetics
Classification: Uncertain significance for Hereditary cancer-predisposing syndrome. Last evaluated: 2025-10-07. Review status: criteria provided, single submitter. Criteria: Ambry Variant Classification Scheme 2023. Collection method: clinical testing. Allele origin: germline.
Comment: The c.2834_2836delGTA variant (also known as p.S945del) is located in coding exon 9 of the BRCA1 gene. This variant results from an in-frame GTA deletion at nucleotide positions 2834 to 2836. This results in the in-frame deletion of a serine at codon 945. This amino acid position is not well conserved in available vertebrate species. In addition, this alteration is predicted to be deleterious by in silico analysis (Choi Y et al. PLoS ONE. 2012; 7(10):e46688). Based on the available evidence, the clinical significance of this variant remains unclear.

GeneDx
Classification: Uncertain significance. Last evaluated: 2016-02-26. Review status: criteria provided, single submitter. Criteria: GeneDx Variant Classification (06012015). Collection method: clinical testing. Allele origin: germline. Affected: yes.
Comment: This in-frame deletion of 3 nucleotides in BRCA1 is denoted c.2834_2836delGTA at the cDNA level and p.Ser945del (S945del) at the protein level. The normal sequence, with the bases that are deleted in braces, is TGTA[GTA]TCAA. This deletion of a single Serine residue occurs at a position that is not conserved and is located in the within the DNA binding domain and the RAD51 binding domain (Chen 1998, Narod 2004). This variant has not, to our knowledge, been published in the literature as pathogenic or benign. Since in-frame deletions may or may not inhibit proper protein functioning, the clinical significance of this finding remains unclear at this time and we consider BRCA1 Ser945del to be a variant of uncertain significance.

Breast Cancer Information Core (BIC) (BRCA1)
Classification: Uncertain significance for Breast-ovarian cancer, familial 1. Last evaluated: 2004-11-25. Review status: no assertion criteria provided. Collection method: clinical testing. Allele origin: germline. Affected: yes. Observed: 1 variant allele. Not counted in ClinVar's aggregate classification.

Literature cited by the submitters: PubMed 10923033 (cited by Labcorp Genetics (formerly Invitae), Labcorp).